The following is an entry in ClinVar:

NM_177438.3(DICER1):c.735G>A (p.Arg245=)

Gene: DICER1 (dicer 1, ribonuclease III; minus strand). Cytogenetic location: 14q32.13.
Variant type: single nucleotide variant.
Coding change: c.735G>A on transcript NM_177438.3 (MANE Select); coding-DNA position 735, G replaced by A.
Protein change: p.Arg245=; no amino-acid change (arginine 245 retained).
Molecular consequence: synonymous variant.
Genome position (GRCh38, 1-based): chr14:95,126,748, C>T on the plus strand (G>A on the coding strand, the complement: DICER1 is on the minus strand). VCF-style: chr14-95126748-C-T. GRCh37 (hg19) VCF-style: chr14-95593085-C-T.
Other names: c.735G>A, p.Arg245= (NM_001195573.1, NM_001271282.3, NM_001291628.2 and 1 more transcripts).
Identifiers: ClinVar variation 582042 (VCV000582042.13), dbSNP rs767605412, ClinGen allele CA487633611.

ClinVar aggregate classification (germline): Conflicting classifications of pathogenicity. Review status: criteria provided, conflicting classifications (1 of 4 stars). 3 submissions from 3 submitters: Uncertain significance (1); Likely benign (2). Last evaluated 2025-08-20.

Conditions:
Hereditary cancer-predisposing syndrome. Also called: Neoplastic Syndromes, Hereditary; Tumor predisposition; Hereditary Cancer Syndrome; Hereditary neoplastic syndrome. Identifiers: Orphanet 140162, MedGen C0027672, MeSH D009386, MONDO:0015356.
DICER1-related disorder. Also called: DICER1-related condition.
DICER1-related tumor predisposition. Also called: DICER1 syndrome; DICER1-related pleuropulmonary blastoma cancer predisposition syndrome. Identifiers: Orphanet 284343, MedGen C3839822, MONDO:0100216.

gnomAD v4.1: 4 of 1,601,964 alleles (0.00025%); highest among the groups gnomAD compares: South Asian, 0.0022%; no homozygotes.

Submissions (3):

PreventionGenetics, part of Exact Sciences
Classification: Likely benign for DICER1-related condition. Last evaluated: 2025-08-20. Review status: criteria provided, single submitter. Criteria: ACMG Guidelines, 2015. Collection method: clinical testing. Allele origin: germline.
Comment: This variant is classified as likely benign based on ACMG/AMP sequence variant interpretation guidelines (Richards et al. 2015 PMID: 25741868, with internal and published modifications).

Labcorp Genetics (formerly Invitae), Labcorp
Classification: Uncertain significance for DICER1-related tumor predisposition. Last evaluated: 2025-01-06. Review status: criteria provided, single submitter. Criteria: Invitae Variant Classification Sherloc (09022015). Collection method: clinical testing. Allele origin: germline.
Comment: This sequence change affects codon 245 of the DICER1 mRNA. It is a 'silent' change, meaning that it does not change the encoded amino acid sequence of the DICER1 protein. It affects a nucleotide within the consensus splice site. This variant is not present in population databases (gnomAD no frequency). This variant has not been reported in the literature in individuals affected with DICER1-related conditions. ClinVar contains an entry for this variant (Variation ID: 582042). Algorithms developed to predict the effect of sequence changes on RNA splicing suggest that this variant is not likely to affect RNA splicing. In summary, the available evidence is currently insufficient to determine the role of this variant in disease. Therefore, it has been classified as a Variant of Uncertain Significance.

Ambry Genetics
Classification: Likely benign for Hereditary cancer-predisposing syndrome. Last evaluated: 2024-05-08. Review status: criteria provided, single submitter. Criteria: Ambry Variant Classification Scheme 2023. Collection method: clinical testing. Allele origin: germline.